The following is an entry in ClinVar:

ClinVar aggregate classification (germline): Benign (1 of 4 stars; one submission).

Allele frequency attached by ClinVar (database versions not stated): gnomAD 0.45914 and 0.45936; TOPMed 0.46302; 1000 Genomes Project 0.47684; 1000 Genomes Project 30x 0.47892.
gnomAD v4.1: 69,704 of 151,968 alleles (46%); highest among the groups gnomAD compares: African/African-American, 50%; 16,054 homozygotes.

Submission:

GeneDx
Classification: Benign. Last evaluated: 2018-06-19. Review status: criteria provided, single submitter. Criteria: GeneDx Variant Classification (06012015). Collection method: clinical testing. Allele origin: germline. Affected: yes.
Comment: This variant is considered likely benign or benign based on one or more of the following criteria: it is a conservative change, it occurs at a poorly conserved position in the protein, it is predicted to be benign by multiple in silico algorithms, and/or has population frequency not consistent with disease.

NM_022489.4(INF2):c.391+321C>T

Gene: INF2 (inverted formin 2; plus strand). Cytogenetic location: 14q32.33.
Variant type: single nucleotide variant.
Coding change: c.391+321C>T on transcript NM_022489.4 (MANE Select); 321 bases into the intron after coding-DNA position 391, C replaced by T.
Molecular consequence: intron variant.
Genome position (GRCh38, 1-based): chr14:104,702,077, C>T. VCF-style: chr14-104702077-C-T. GRCh37 (hg19) VCF-style: chr14-105168414-C-T.
Other names: c.391+321C>T (NM_001031714.4, NM_032714.3).
Identifiers: ClinVar variation 683640 (VCV000683640.1), dbSNP rs11160817, ClinGen allele CA13952010.